The following is an entry in ClinVar:

NM_014989.7(RIMS1):c.2815A>T (p.Thr939Ser)

Gene: RIMS1 (regulating synaptic membrane exocytosis 1; plus strand). Cytogenetic location: 6q13.
Variant type: single nucleotide variant.
Coding change: c.2815A>T on transcript NM_014989.7 (MANE Select); coding-DNA position 2815, A replaced by T.
Protein change: p.Thr939Ser; replaces threonine 939 with serine.
Molecular consequence: missense variant.
Genome position (GRCh38, 1-based): chr6:72,258,169, A>T. VCF-style: chr6-72258169-A-T. GRCh37 (hg19) VCF-style: chr6-72967872-A-T.
Other names: c.1237A>T, p.Thr413Ser (NM_001350416.2, NM_001350417.2, NM_001350420.2 and 15 more transcripts); c.1234A>T, p.Thr412Ser (NM_001350418.2, NM_001350419.2, NM_001350422.2 and 19 more transcripts); c.1165A>T, p.Thr389Ser (NM_001350421.2, NM_001350437.2, NM_001350430.2 and 2 more transcripts); c.1168A>T, p.Thr390Ser (NM_001350424.2, NM_001350459.2, NM_001350462.2 and 1 more transcripts); c.991A>T, p.Thr331Ser (NM_001350461.2, NM_001350463.2, NM_001350468.2); c.994A>T, p.Thr332Ser (NM_001350464.2, NM_001168409.2, NM_001350465.2 and 3 more transcripts); c.1192A>T, p.Thr398Ser (NM_001168410.2, NM_001350470.2, NM_001350473.2 and 1 more transcripts); c.1189A>T, p.Thr397Ser (NM_001350472.2); short protein forms T332S, T389S, T398S, T331S, T939S, T390S, T397S, T412S.
Identifiers: ClinVar variation 2798497 (VCV002798497.3), dbSNP rs2076642459, ClinGen allele CA364681516.

ClinVar aggregate classification (germline): Uncertain significance (1 of 4 stars; one submission).

Allele frequency attached by ClinVar (database versions not stated): TOPMed below 0.00001; gnomAD 0.00001.
gnomAD v4.1: 5 of 1,613,116 alleles (0.00031%); highest among the groups gnomAD compares: Non-Finnish European, 0.00042%; no homozygotes.

Submission:

Labcorp Genetics (formerly Invitae), Labcorp
Classification: Uncertain significance. Last evaluated: 2022-12-26. Review status: criteria provided, single submitter. Criteria: Invitae Variant Classification Sherloc (09022015). Collection method: clinical testing. Allele origin: germline.
Comment: This sequence change replaces threonine, which is neutral and polar, with serine, which is neutral and polar, at codon 939 of the RIMS1 protein (p.Thr939Ser). This variant is not present in population databases (gnomAD no frequency). This variant has not been reported in the literature in individuals affected with RIMS1-related conditions. Algorithms developed to predict the effect of missense changes on protein structure and function (SIFT, PolyPhen-2, Align-GVGD) all suggest that this variant is likely to be disruptive. In summary, the available evidence is currently insufficient to determine the role of this variant in disease. Therefore, it has been classified as a Variant of Uncertain Significance.